The following is an entry in ClinVar:

ClinVar aggregate classification (germline): Uncertain significance (1 of 4 stars; one submission).

Conditions:
Baller-Gerold syndrome (BGS). Also called: CRANIOSYNOSTOSIS WITH RADIAL DEFECTS. Identifiers: Orphanet 1225, MedGen C0265308, MONDO:0009039, OMIM 218600.

Submission:

Labcorp Genetics (formerly Invitae), Labcorp
Classification: Uncertain significance for Baller-Gerold syndrome. Last evaluated: 2023-08-24. Review status: criteria provided, single submitter. Criteria: Invitae Variant Classification Sherloc (09022015). Collection method: clinical testing. Allele origin: germline.
Comment: Advanced modeling of protein sequence and biophysical properties (such as structural, functional, and spatial information, amino acid conservation, physicochemical variation, residue mobility, and thermodynamic stability) performed at Invitae indicates that this missense variant is not expected to disrupt RECQL4 protein function. This sequence change replaces valine, which is neutral and non-polar, with leucine, which is neutral and non-polar, at codon 624 of the RECQL4 protein (p.Val624Leu). This variant is not present in population databases (gnomAD no frequency). This variant has not been reported in the literature in individuals affected with RECQL4-related conditions. In summary, the available evidence is currently insufficient to determine the role of this variant in disease. Therefore, it has been classified as a Variant of Uncertain Significance.

NM_004260.4(RECQL4):c.1870G>C (p.Val624Leu)

Gene: RECQL4 (RecQ like helicase 4; minus strand). Cytogenetic location: 8q24.3.
Variant type: single nucleotide variant.
Coding change: c.1870G>C on transcript NM_004260.4 (MANE Select); coding-DNA position 1870, G replaced by C.
Protein change: p.Val624Leu; replaces valine 624 with leucine.
Molecular consequence: missense variant. On other transcripts: non-coding transcript variant (3).
Genome position (GRCh38, 1-based): chr8:144,514,197, C>G on the plus strand (G>C on the coding strand, the complement: RECQL4 is on the minus strand). VCF-style: chr8-144514197-C-G. GRCh37 (hg19) VCF-style: chr8-145739581-C-G.
Other names: c.799G>C, p.Val267Leu (NM_001413034.1, NM_001413035.1, NM_001413038.1 and 6 more transcripts); c.1870G>C, p.Val624Leu (NM_001413036.1, NM_001413018.1, NM_001413019.1); c.667G>C, p.Val223Leu (NM_001413037.1); c.1840G>C, p.Val614Leu (NM_001413039.1); c.733G>C, p.Val245Leu (NM_001413041.1, NM_001413027.1, NM_001413030.1 and 1 more transcripts); c.769G>C, p.Val257Leu (NM_001413042.1); c.403G>C, p.Val135Leu (NM_001413043.1); c.1774G>C, p.Val592Leu (NM_001413017.1, NM_001413020.1); and 4 more; short protein forms V201L, V580L, V581L, V592L, V135L, V257L, V507L, V223L.
Identifiers: ClinVar variation 2754947 (VCV002754947.3), dbSNP rs375100228, ClinGen allele CA372680593.